The following is an entry in ClinVar:

ClinVar aggregate classification (germline): Likely pathogenic (1 of 4 stars; one submission).

Conditions:
Bone fragility with contractures, arterial rupture, and deafness. Also called: LH3 DEFICIENCY; LYSYL HYDROXYLASE 3 DEFICIENCY; BCARD SYNDROME; BONE ABNORMALITIES, CATARACT, ARTERIAL RUPTURE, AND DEAFNESS. Identifiers: Orphanet 300284, MedGen C2676285, MONDO:0012892, OMIM 612394.

Submission:

Laboratory of Functional Genomics, Research Centre for Medical Genetics
Classification: Likely pathogenic for Bone fragility with contractures, arterial rupture, and deafness. Review status: criteria provided, single submitter. Criteria: ACMG Guidelines, 2015. Collection method: research. Allele origin: germline. Inheritance: Autosomal recessive inheritance. Affected: yes. Observed: 1 compound heterozygote.
Comment: This nonsense mutation located in the final exon, leads to the truncation of a functionally critical protein domain (p.(Glu720Ter)) in the end of the PLOD3-protein

NM_001084.5(PLOD3):c.2158G>T (p.Glu720Ter)

Gene: PLOD3 (procollagen-lysine,2-oxoglutarate 5-dioxygenase 3; minus strand). Cytogenetic location: 7q22.1.
Variant type: single nucleotide variant.
Coding change: c.2158G>T on transcript NM_001084.5 (MANE Select); coding-DNA position 2158, G replaced by T.
Protein change: p.Glu720Ter; replaces glutamic acid 720 with a stop codon.
Molecular consequence: nonsense.
Genome position (GRCh38, 1-based): chr7:101,206,340, C>A on the plus strand (G>T on the coding strand, the complement: PLOD3 is on the minus strand). VCF-style: chr7-101206340-C-A. GRCh37 (hg19) VCF-style: chr7-100849621-C-A.
Other names: short protein forms E720*.
Identifiers: ClinVar variation 3731304 (VCV003731304.1).
Genomic context (GRCh38, chr7:101,206,340, plus strand): 5'-GTCAGGGGTCGACAAAGGACACCATGATGTAGCGTGTGCCCCAGGTCGTTGGCAGCCCCT[C>A]GTGGTAGTGGGTGAGGCGGCCGGGGTGCAGGAGTGCCCAGCCCTTCCTCGGGGAGGAGAT-3'